The following is an entry in ClinVar:

NM_000092.5(COL4A4):c.995G>T (p.Gly332Val)

Gene: COL4A4 (collagen type IV alpha 4 chain; minus strand). Cytogenetic location: 2q36.3.
Variant type: single nucleotide variant.
Coding change: c.995G>T on transcript NM_000092.5 (MANE Select); coding-DNA position 995, G replaced by T.
Protein change: p.Gly332Val; replaces glycine 332 with valine.
Molecular consequence: missense variant.
Genome position (GRCh38, 1-based): chr2:227,101,538, C>A on the plus strand (G>T on the coding strand, the complement: COL4A4 is on the minus strand). VCF-style: chr2-227101538-C-A. GRCh37 (hg19) VCF-style: chr2-227966254-C-A.
Other names: short protein forms G332V.
Identifiers: ClinVar variation 988147 (VCV000988147.1), dbSNP rs2060521579, ClinGen allele CA350855934.

ClinVar aggregate classification (germline): Likely pathogenic (0 of 4 stars; one submission).

Conditions:
Nephrotic syndrome. Identifiers: MedGen C0027726, MONDO:0005377, HP:0000100.

Submission:

Sydney Genome Diagnostics, Children's Hospital Westmead
Classification: Likely pathogenic for Nephrotic syndrome. Last evaluated: 2018-02-22. Review status: no assertion criteria provided. Collection method: clinical testing. Allele origin: unknown. Affected: yes. Observed: 1 variant allele, 1 heterozygote.
Comment: To our knowledge, the variant has not been reported in any population databases (i.e. ExAC, ESP or dbSNP), and also has not been previously reported in the literature or any disease specific databases. This variant results in substitution of one of the invariant glycine residues within the triple helical domain of the alpha 4 chain of type IV collagen. This variant is considered to be likely pathogenic according to the ACMG guidelines.